The following is an entry in ClinVar:

NM_001160372.4(TRAPPC9):c.542C>T (p.Pro181Leu)

Gene: TRAPPC9 (trafficking protein particle complex subunit 9; minus strand). Cytogenetic location: 8q24.3.
Variant type: single nucleotide variant.
Coding change: c.542C>T on transcript NM_001160372.4 (MANE Select); coding-DNA position 542, C replaced by T.
Protein change: p.Pro181Leu; replaces proline 181 with leucine.
Molecular consequence: missense variant. On other transcripts: non-coding transcript variant (1).
Genome position (GRCh38, 1-based): chr8:140,450,832, G>A on the plus strand (C>T on the coding strand, the complement: TRAPPC9 is on the minus strand). VCF-style: chr8-140450832-G-A. GRCh37 (hg19) VCF-style: chr8-141460931-G-A.
Other names: c.542C>T, p.Pro181Leu (NM_001321646.2, NM_001374682.1, NM_001374683.1 and 2 more transcripts); c.836C>T (NM_031466.5); short protein forms P181L.
Identifiers: ClinVar variation 1991185 (VCV001991185.6), dbSNP rs766788913, ClinGen allele CA4893709.

ClinVar aggregate classification (germline): Uncertain significance. Review status: criteria provided, multiple submitters, no conflicts (2 of 4 stars). 3 submissions from 3 submitters: Uncertain significance (3). Last evaluated 2024-06-22.

Conditions:
Inborn genetic diseases. Identifiers: MedGen C0950123, MeSH D030342.

Allele frequency attached by ClinVar (database versions not stated): gnomAD exomes 0.00001; TOPMed 0.00001; ExAC 0.00004.

Submissions (3):

Ambry Genetics
Classification: Uncertain significance for Inborn genetic diseases. Last evaluated: 2024-06-22. Review status: criteria provided, single submitter. Criteria: Ambry Variant Classification Scheme 2023. Collection method: clinical testing. Allele origin: germline.

GeneDx
Classification: Uncertain significance. Last evaluated: 2024-06-14. Review status: criteria provided, single submitter. Criteria: GeneDx Variant Classification Process June 2021. Collection method: clinical testing. Allele origin: germline. Affected: yes.
Comment: In silico analysis supports that this missense variant has a deleterious effect on protein structure/function; Has not been previously published as pathogenic or benign to our knowledge

Labcorp Genetics (formerly Invitae), Labcorp
Classification: Uncertain significance. Last evaluated: 2022-05-27. Review status: criteria provided, single submitter. Criteria: Invitae Variant Classification Sherloc (09022015). Collection method: clinical testing. Allele origin: germline.
Comment: In summary, the available evidence is currently insufficient to determine the role of this variant in disease. Therefore, it has been classified as a Variant of Uncertain Significance. Algorithms developed to predict the effect of missense changes on protein structure and function are either unavailable or do not agree on the potential impact of this missense change (SIFT: "Not Available"; PolyPhen-2: "Possibly Damaging"; Align-GVGD: "Not Available"). This variant has not been reported in the literature in individuals affected with TRAPPC9-related conditions. This variant is present in population databases (rs766788913, gnomAD 0.03%). This sequence change replaces proline, which is neutral and non-polar, with leucine, which is neutral and non-polar, at codon 279 of the TRAPPC9 protein (p.Pro279Leu).